The following is an entry in ClinVar:

ClinVar aggregate classification (germline): Likely benign (0 of 4 stars; one submission).

Conditions:
EP400-related disorder. Also called: EP400-related condition.

Allele frequency attached by ClinVar (database versions not stated): ExAC 0.00004; gnomAD exomes 0.00005; TOPMed 0.00005; gnomAD 0.00006; ESP Exome Variant Server 0.00008; 1000 Genomes Project 30x 0.00016; 1000 Genomes Project 0.00020.
gnomAD v4.1: 76 of 1,612,098 alleles (0.0047%); highest among the groups gnomAD compares: Non-Finnish European, 0.0058%; no homozygotes.

Submission:

PreventionGenetics, part of Exact Sciences
Classification: Likely benign for EP400-related condition. Last evaluated: 2019-05-28. Review status: no assertion criteria provided. Collection method: clinical testing. Allele origin: germline.
Comment: This variant is classified as likely benign based on ACMG/AMP sequence variant interpretation guidelines (Richards et al. 2015 PMID: 25741868, with internal and published modifications).

NM_015409.5(EP400):c.9120G>A (p.Ala3040=)

Gene: EP400 (E1A binding protein p400; plus strand). Cytogenetic location: 12q24.33.
Variant type: single nucleotide variant.
Coding change: c.9120G>A on transcript NM_015409.5 (MANE Select); coding-DNA position 9120, G replaced by A.
Protein change: p.Ala3040=; no amino-acid change (alanine 3040 retained).
Molecular consequence: synonymous variant.
Genome position (GRCh38, 1-based): chr12:132,077,421, G>A. VCF-style: chr12-132077421-G-A. GRCh37 (hg19) VCF-style: chr12-132561966-G-A.
Identifiers: ClinVar variation 3043895 (VCV003043895.2), dbSNP rs370524264, ClinGen allele CA6887438.